The following is an entry in ClinVar:

NM_002524.5(NRAS):c.425T>C (p.Ile142Thr)

Gene: NRAS (NRAS proto-oncogene, GTPase; minus strand). Cytogenetic location: 1p13.2.
Variant type: single nucleotide variant.
Coding change: c.425T>C on transcript NM_002524.5 (MANE Select); coding-DNA position 425, T replaced by C.
Protein change: p.Ile142Thr; replaces isoleucine 142 with threonine.
Molecular consequence: missense variant.
Genome position (GRCh38, 1-based): chr1:114,709,594, A>G on the plus strand (T>C on the coding strand, the complement: NRAS is on the minus strand). VCF-style: chr1-114709594-A-G. GRCh37 (hg19) VCF-style: chr1-115252215-A-G.
Other names: short protein forms I142T.
Identifiers: ClinVar variation 1987126 (VCV001987126.6), dbSNP rs758898839, ClinGen allele CA1020710.

ClinVar aggregate classification (germline): Uncertain significance. Review status: criteria provided, multiple submitters, no conflicts (2 of 4 stars). 2 submissions from 2 submitters: Uncertain significance (2). Last evaluated 2025-11-10.
ClinVar aggregate classification (somatic clinical impact): Tier I - Strong (1 of 4 stars; one submission).

Conditions:
RASopathy. Also called: rasopathies; Noonan spectrum disorder. Identifiers: Orphanet 536391, MedGen C5555857, MONDO:0021060.
Rhabdomyosarcoma. Also called: Rhabdomyosarcoma (disease). Identifiers: Orphanet 780, MedGen C0035412, MeSH D012208, MONDO:0005212, HP:0002859.

Allele frequency attached by ClinVar (database versions not stated): gnomAD exomes below 0.00001; ExAC 0.00001; gnomAD 0.00001; TOPMed 0.00001.
gnomAD v4.1: 4 of 1,614,064 alleles (0.00025%); highest among the groups gnomAD compares: East Asian, 0.0022%; no homozygotes.

Submissions (3):

Labcorp Genetics (formerly Invitae), Labcorp
Classification: Uncertain significance for RASopathy. Last evaluated: 2025-11-10. Review status: criteria provided, single submitter. Criteria: Invitae Variant Classification Sherloc (09022015). Collection method: clinical testing. Allele origin: germline.
Comment: This sequence change replaces isoleucine, which is neutral and non-polar, with threonine, which is neutral and polar, at codon 142 of the NRAS protein (p.Ile142Thr). This variant is present in population databases (rs758898839, gnomAD 0.006%). This variant has not been reported in the literature in individuals affected with NRAS-related conditions. ClinVar contains an entry for this variant (Variation ID: 1987126). An algorithm developed to predict the effect of missense changes on protein structure and function (PolyPhen-2) suggests that this variant is likely to be tolerated. In summary, the available evidence is currently insufficient to determine the role of this variant in disease. Therefore, it has been classified as a Variant of Uncertain Significance.

Institute for Genomic Medicine (IGM) Clinical Laboratory, Nationwide Children's Hospital
Classification: Tier I - Strong for Rhabdomyosarcoma. Assertion type: diagnostic. Clinical significance: supports diagnosis. Last evaluated: 2023-08-30. Review status: criteria provided, single submitter. Criteria: AMP/ASCO/CAP Guidelines, 2017. Collection method: clinical testing. Allele origin: somatic. Affected: yes.
Comment: Variant has Tier I (strong) clinical significance as a diagnostic inclusion criterion in rhabdomyosarcoma, based on the following evidence: 1) Appears in one or more well-established professional guidelines (e.g., World Health Organization [WHO]; National Comprehensive Cancer Network [NCCN]) as providing diagnostic, prognostic, or therapeutic information. 2) Diagnostic for a specific tumor type/classification based on well-powered studies with expert-level consensus (Evidence Level B; PMIDs: 24436047, 34166060, 24332040, 19681119, 25768946).

Blueprint Genetics
Classification: Uncertain significance. Last evaluated: 2020-08-07. Review status: criteria provided, single submitter. Criteria: ACMG Guidelines, 2015. Collection method: clinical testing. Allele origin: germline.

Literature cited by the submitters: PubMed 24436047 (cited by Institute for Genomic Medicine (IGM) Clinical Laboratory, Nationwide Children's Hospital); PubMed 34166060 (cited by Institute for Genomic Medicine (IGM) Clinical Laboratory, Nationwide Children's Hospital); PubMed 24332040 (cited by Institute for Genomic Medicine (IGM) Clinical Laboratory, Nationwide Children's Hospital); PubMed 19681119 (cited by Institute for Genomic Medicine (IGM) Clinical Laboratory, Nationwide Children's Hospital); PubMed 25768946 (cited by Institute for Genomic Medicine (IGM) Clinical Laboratory, Nationwide Children's Hospital).